The following is an entry in ClinVar:

NM_024426.6(WT1):c.809C>T (p.Pro270Leu)

Gene: WT1 (WT1 transcription factor; minus strand). Cytogenetic location: 11p13.
Variant type: single nucleotide variant.
Coding change: c.809C>T on transcript NM_024426.6 (MANE Select); coding-DNA position 809, C replaced by T.
Protein change: p.Pro270Leu; replaces proline 270 with leucine.
Molecular consequence: missense variant. On other transcripts: non-coding transcript variant (1).
Genome position (GRCh38, 1-based): chr11:32,428,034, G>A on the plus strand (C>T on the coding strand, the complement: WT1 is on the minus strand). VCF-style: chr11-32428034-G-A. GRCh37 (hg19) VCF-style: chr11-32449580-G-A.
Other names: c.809C>T, p.Pro270Leu (NM_000378.6, NM_001407044.1, NM_001407045.1 and 4 more transcripts); c.158C>T, p.Pro53Leu (NM_001198551.2, NM_001198552.2); c.686C>T, p.Pro229Leu (NM_001407047.1, NM_001407050.1); c.47C>T, p.Pro16Leu (NM_001407051.1); c.794C>T, p.Pro265Leu (NM_024425.2); short protein forms P270L, P53L, P16L, P265L, P229L.
Identifiers: ClinVar variation 999119 (VCV000999119.10), dbSNP rs1853120541, ClinGen allele CA379963097.

ClinVar aggregate classification (germline): Uncertain significance (1 of 4 stars; one submission).

Conditions:
Wilms tumor 1 (WT1). Also called: Wilms tumor, somatic. Identifiers: Orphanet 654, MedGen CN033288, MONDO:0008679, OMIM 194070.
11p partial monosomy syndrome (WAGR). Also called: WAGR Complex; WAGR syndrome; WAGR Spectrum Disorder; CHROMOSOME 11p13 DELETION SYNDROME. Identifiers: Orphanet 893, MedGen C0206115, MONDO:0008681, OMIM 194072.
Drash syndrome (DDS). Also called: WILMS TUMOR AND PSEUDO- OR TRUE HERMAPHRODITISM; NEPHROPATHY, WILMS TUMOR, AND GENITAL ANOMALIES. Identifiers: Orphanet 220, MedGen C0950121, MONDO:0008682, OMIM 194080.
Frasier syndrome. Identifiers: Orphanet 347, MedGen C0950122, MeSH D052159, MONDO:0007635, OMIM 136680.

gnomAD v4.1: 1 of 1,609,354 alleles (0.000062%); highest among the groups gnomAD compares: Non-Finnish European, 0.000085%; no homozygotes.

Submission:

Labcorp Genetics (formerly Invitae), Labcorp
Classification: Uncertain significance for Wilms tumor 1; Drash syndrome; 11p partial monosomy syndrome; Frasier syndrome. Last evaluated: 2020-10-13. Review status: criteria provided, single submitter. Criteria: Invitae Variant Classification Sherloc (09022015). Collection method: clinical testing. Allele origin: germline.
Comment: In summary, the available evidence is currently insufficient to determine the role of this variant in disease. Therefore, it has been classified as a Variant of Uncertain Significance. Algorithms developed to predict the effect of missense changes on protein structure and function (SIFT, PolyPhen-2, Align-GVGD) all suggest that this variant is likely to be disruptive, but these predictions have not been confirmed by published functional studies and their clinical significance is uncertain. This variant has not been reported in the literature in individuals with WT1-related conditions. This variant is not present in population databases (ExAC no frequency). This sequence change replaces proline with leucine at codon 265 of the WT1 protein (p.Pro265Leu). The proline residue is highly conserved and there is a moderate physicochemical difference between proline and leucine.